The following is an entry in ClinVar:

ClinVar aggregate classification (germline): Uncertain significance. Review status: criteria provided, multiple submitters, no conflicts (2 of 4 stars). 3 submissions from 3 submitters: Uncertain significance (3). Last evaluated 2025-11-03.

Conditions:
Inborn genetic diseases. Identifiers: MedGen C0950123, MeSH D030342.

Allele frequency attached by ClinVar (database versions not stated): gnomAD 0.00001; TOPMed 0.00001; ESP Exome Variant Server 0.00008.
gnomAD v4.1: 9 of 1,613,630 alleles (0.00056%); highest among the groups gnomAD compares: African/African-American, 0.0013%; no homozygotes.

Submissions (3):

Athena Diagnostics
Classification: Uncertain significance. Last evaluated: 2025-11-03. Review status: criteria provided, single submitter. Criteria: Athena Diagnostics Criteria. Collection method: clinical testing. Allele origin: unknown.
Comment: Available data are insufficient to determine the clinical significance of the variant at this time. The frequency of this variant in the general population is uninformative in assessment of its pathogenicity. Polyphen and MutationTaster predict this amino acid change may be benign.

Ambry Genetics
Classification: Uncertain significance for Inborn genetic diseases. Last evaluated: 2025-03-22. Review status: criteria provided, single submitter. Criteria: Ambry Variant Classification Scheme 2023. Collection method: clinical testing. Allele origin: germline.

CeGaT Center for Human Genetics Tuebingen
Classification: Uncertain significance. Last evaluated: 2018-09-01. Review status: criteria provided, single submitter. Criteria: CeGaT Center For Human Genetics Tuebingen Variant Classification Criteria Version 2. Collection method: clinical testing. Allele origin: germline. Affected: yes. Observed: 1 variant allele.

NM_201384.3(PLEC):c.10616G>A (p.Arg3539His)

Gene: PLEC (plectin; minus strand). Cytogenetic location: 8q24.3.
Variant type: single nucleotide variant.
Coding change: c.10616G>A on transcript NM_201384.3 (MANE Select); coding-DNA position 10616, G replaced by A.
Protein change: p.Arg3539His; replaces arginine 3539 with histidine.
Molecular consequence: missense variant.
Genome position (GRCh38, 1-based): chr8:143,919,205, C>T on the plus strand (G>A on the coding strand, the complement: PLEC is on the minus strand). VCF-style: chr8-143919205-C-T. GRCh37 (hg19) VCF-style: chr8-144993373-C-T.
Other names: c.10697G>A, p.Arg3566His (NM_000445.5); c.10574G>A, p.Arg3525His (NM_201378.4); c.10550G>A, p.Arg3517His (NM_201379.3); c.11027G>A, p.Arg3676His (NM_201380.4); c.10520G>A, p.Arg3507His (NM_201381.3); c.10616G>A, p.Arg3539His (NM_201382.4); c.10628G>A, p.Arg3543His (NM_201383.3); c.10697G>A (NM_000445.3); short protein forms R3676H, R3525H, R3566H, R3517H, R3539H, R3543H, R3507H.
Identifiers: ClinVar variation 810322 (VCV000810322.42), dbSNP rs201235310, ClinGen allele CA4924586.